The following is an entry in ClinVar:

NM_004621.6(TRPC6):c.2678G>C (p.Ser893Thr)

Gene: TRPC6 (transient receptor potential cation channel subfamily C member 6; minus strand). Cytogenetic location: 11q22.1.
Variant type: single nucleotide variant.
Coding change: c.2678G>C on transcript NM_004621.6 (MANE Select); coding-DNA position 2678, G replaced by C.
Protein change: p.Ser893Thr; replaces serine 893 with threonine.
Molecular consequence: missense variant.
Genome position (GRCh38, 1-based): chr11:101,453,073, C>G on the plus strand (G>C on the coding strand, the complement: TRPC6 is on the minus strand). VCF-style: chr11-101453073-C-G. GRCh37 (hg19) VCF-style: chr11-101323804-C-G.
Other names: c.2330G>C, p.Ser777Thr (NM_001439335.1); short protein forms S777T, S893T.
Identifiers: ClinVar variation 4855010 (VCV004855010.1).

ClinVar aggregate classification (germline): Uncertain significance (1 of 4 stars; one submission).

Conditions:
Focal segmental glomerulosclerosis 2 (FSGS2). Identifiers: Orphanet 656, MedGen C1858915, MONDO:0011390, OMIM 603965.

Submission:

3billion
Classification: Uncertain significance for Focal segmental glomerulosclerosis 2. Last evaluated: 2025-11-27. Review status: criteria provided, single submitter. Criteria: ACMG Guidelines, 2015. Collection method: clinical testing. Allele origin: germline. Affected: yes.
Comment: The variant is not observed in the gnomAD v4.1.0 dataset. Predicted Consequence/Location: Missense variant In silico tool prediction suggests damaging effect of the variant on gene or gene product [3Cnet: 0.91 (> 0.75, sensitivity 0.96 and precision 0.92)]. A different missense change at the same codon (p.Ser893Asn) has been reported to be associated with TRPC6-related disorder (PMID: 33657698). Therefore, this variant is classified as VUS according to the recommendation of ACMG/AMP guideline.

Literature cited by the submitters: PubMed 33657698.